The following is an entry in ClinVar:

ClinVar aggregate classification (germline): Benign (1 of 4 stars; one submission).

Allele frequency attached by ClinVar (database versions not stated): gnomAD 0.10174 and 0.10654; TOPMed 0.11592; 1000 Genomes Project 30x 0.16708; 1000 Genomes Project 0.16993.
gnomAD v4.1: 16,189 of 152,156 alleles (11%); highest among the groups gnomAD compares: East Asian, 39%; 1,250 homozygotes.

Submission:

GeneDx
Classification: Benign. Last evaluated: 2018-06-18. Review status: criteria provided, single submitter. Criteria: GeneDx Variant Classification (06012015). Collection method: clinical testing. Allele origin: germline. Affected: yes.
Comment: This variant is considered likely benign or benign based on one or more of the following criteria: it is a conservative change, it occurs at a poorly conserved position in the protein, it is predicted to be benign by multiple in silico algorithms, and/or has population frequency not consistent with disease.

NM_000426.4(LAMA2):c.3411+184G>A

Gene: LAMA2 (laminin subunit alpha 2; plus strand). Cytogenetic location: 6q22.33.
Variant type: single nucleotide variant.
Coding change: c.3411+184G>A on transcript NM_000426.4 (MANE Select); 184 bases into the intron after coding-DNA position 3411, G replaced by A.
Molecular consequence: intron variant.
Genome position (GRCh38, 1-based): chr6:129,313,281, G>A. VCF-style: chr6-129313281-G-A. GRCh37 (hg19) VCF-style: chr6-129634426-G-A.
Other names: c.3411+184G>A (NM_001079823.2).
Identifiers: ClinVar variation 682921 (VCV000682921.1), dbSNP rs3798662, ClinGen allele CA12377489.